The following is an entry in ClinVar:

NM_004320.6(ATP2A1):c.592del (p.Arg198fs)

Gene: ATP2A1 (ATPase sarcoplasmic/endoplasmic reticulum Ca2+ transporting 1; plus strand). Cytogenetic location: 16p11.2.
Variant type: Deletion.
Coding change: c.592del on transcript NM_004320.6 (MANE Select); coding-DNA position 592, one base deleted (C; older notation c.592delC).
Protein change: p.Arg198fs; shifts the reading frame from arginine 198.
Molecular consequence: frameshift variant.
Genome position (GRCh38, 1-based): chr16:28,887,236, C deleted; the last of 5 consecutive C bases (chr16:28,887,232-28,887,236); deleting any one gives the same sequence. VCF-style (leftmost placement, unchanged base first): chr16-28887231-AC-A. GRCh37 (hg19) VCF-style: chr16-28898552-AC-A.
Other names: c.217del, p.Arg73fs (NM_001286075.2); c.592del, p.Arg198fs (NM_173201.5); short protein forms R198fs, R73fs.
Identifiers: ClinVar variation 1323768 (VCV001323768.9), dbSNP rs1187948767, ClinGen allele CA719730570.
Genomic context (GRCh38, chr16:28,887,231, plus strand): 5'-TTGGCCCCTTCTCCACAGGCGAGTCTGTATCTGTCATCAAACACACGGAGCCCGTTCCTG[AC>A]CCCCGAGCTGTCAACCAGGACAAGAAGAACATGCTTTTCTCGGTGAGCAATCCGGGACCA-3'

ClinVar aggregate classification (germline): Pathogenic. Review status: criteria provided, multiple submitters, no conflicts (2 of 4 stars). 2 submissions from 2 submitters: Pathogenic (2). Last evaluated 2025-09-10.

Conditions:
Brody myopathy. Also called: BRODY DISEASE. Identifiers: Orphanet 53347, MedGen C1832918, MONDO:0010977, OMIM 601003.

Submissions (2):

Labcorp Genetics (formerly Invitae), Labcorp
Classification: Pathogenic for Brody myopathy. Last evaluated: 2025-09-10. Review status: criteria provided, single submitter. Criteria: Invitae Variant Classification Sherloc (09022015). Collection method: clinical testing. Allele origin: germline.
Comment: This sequence change creates a premature translational stop signal (p.Arg198Glufs*136) in the ATP2A1 gene. It is expected to result in an absent or disrupted protein product. Loss-of-function variants in ATP2A1 are known to be pathogenic (PMID: 8841193, 10914677, 23911890). This variant is not present in population databases (gnomAD no frequency). This variant has not been reported in the literature in individuals affected with ATP2A1-related conditions. ClinVar contains an entry for this variant (Variation ID: 1323768). For these reasons, this variant has been classified as Pathogenic.

Revvity Omics, Revvity
Classification: Pathogenic for Brody myopathy. Last evaluated: 2019-04-27. Review status: criteria provided, single submitter. Criteria: ACMG Guidelines, 2015. Collection method: clinical testing. Allele origin: germline.

Literature cited by the submitters: PubMed 8841193 (cited by Labcorp Genetics (formerly Invitae), Labcorp); PubMed 10914677 (cited by Labcorp Genetics (formerly Invitae), Labcorp); PubMed 23911890 (cited by Labcorp Genetics (formerly Invitae), Labcorp).